The following is an entry in ClinVar:

NM_005506.4(SCARB2):c.1393G>A (p.Asp465Asn)

Gene: SCARB2 (scavenger receptor class B member 2; minus strand). Cytogenetic location: 4q21.1.
Variant type: single nucleotide variant.
Coding change: c.1393G>A on transcript NM_005506.4 (MANE Select); coding-DNA position 1393, G replaced by A.
Protein change: p.Asp465Asn; replaces aspartic acid 465 with asparagine.
Molecular consequence: missense variant.
Genome position (GRCh38, 1-based): chr4:76,163,230, C>T on the plus strand (G>A on the coding strand, the complement: SCARB2 is on the minus strand). VCF-style: chr4-76163230-C-T. GRCh37 (hg19) VCF-style: chr4-77084383-C-T.
Other names: c.964G>A, p.Asp322Asn (NM_001204255.2); short protein forms D322N, D465N.
Identifiers: ClinVar variation 1399768 (VCV001399768.7), dbSNP rs1238888097, ClinGen allele CA357313191.

ClinVar aggregate classification (germline): Uncertain significance (1 of 4 stars; one submission).

Conditions:
Progressive myoclonic epilepsy. Also called: Familial progressive myoclonic epilepsy; Myoclonic Epilepsies, Progressive; Progressive myoclonus epilepsy; Myoclonus epilepsy. Identifiers: Orphanet 308, Orphanet 98261, MedGen C0751778, MONDO:0020074.

Allele frequency attached by ClinVar (database versions not stated): gnomAD exomes below 0.00001; TOPMed below 0.00001.
gnomAD v4.1: 3 of 1,614,186 alleles (0.00019%); highest among the groups gnomAD compares: Non-Finnish European, 0.00025%; no homozygotes.

Submission:

Labcorp Genetics (formerly Invitae), Labcorp
Classification: Uncertain significance for Progressive myoclonic epilepsy. Last evaluated: 2022-09-07. Review status: criteria provided, single submitter. Criteria: Invitae Variant Classification Sherloc (09022015). Collection method: clinical testing. Allele origin: germline.
Comment: In summary, the available evidence is currently insufficient to determine the role of this variant in disease. Therefore, it has been classified as a Variant of Uncertain Significance. Algorithms developed to predict the effect of missense changes on protein structure and function output the following: SIFT: "Tolerated"; PolyPhen-2: "Benign"; Align-GVGD: "Class C0". The asparagine amino acid residue is found in multiple mammalian species, which suggests that this missense change does not adversely affect protein function. ClinVar contains an entry for this variant (Variation ID: 1399768). This variant has not been reported in the literature in individuals affected with SCARB2-related conditions. This variant is not present in population databases (gnomAD no frequency). This sequence change replaces aspartic acid, which is acidic and polar, with asparagine, which is neutral and polar, at codon 465 of the SCARB2 protein (p.Asp465Asn).